The following is an entry in ClinVar:

ClinVar aggregate classification (germline): Likely pathogenic (1 of 4 stars; one submission).

Allele frequency attached by ClinVar (database versions not stated): gnomAD exomes below 0.00001.
gnomAD v4.1: 3 of 1,611,922 alleles (0.00019%); highest among the groups gnomAD compares: Non-Finnish European, 0.00025%; no homozygotes.

Submission:

GeneDx
Classification: Likely pathogenic. Last evaluated: 2018-05-21. Review status: criteria provided, single submitter. Criteria: GeneDx Variant Classification (06012015). Collection method: clinical testing. Allele origin: germline. Affected: yes.
Comment: The c.518+1 G>A splice site variant has not been published as a pathogenic variant, nor has it been reported as a benign variant to our knowledge. The variant is not observed in large population cohorts (Lek et al., 2016). It destroys the canonical splice donor site in intron 2 and is predicted to cause abnormal gene splicing, either leading to an abnormal message that is subject to nonsense-mediated mRNA decay, or to an abnormal protein product if the message is used for protein translation. In summary, we consider this variant to be likely pathogenic.

NM_004793.4(LONP1):c.518+1G>A

Gene: LONP1 (lon peptidase 1, mitochondrial; minus strand). Cytogenetic location: 19p13.3.
Variant type: single nucleotide variant.
Coding change: c.518+1G>A on transcript NM_004793.4 (MANE Select); the canonical splice donor site of the intron after coding-DNA position 518, G replaced by A.
Molecular consequence: splice donor variant.
Genome position (GRCh38, 1-based): chr19:5,714,182, C>T on the plus strand (G>A on the coding strand, the complement: LONP1 is on the minus strand). VCF-style: chr19-5714182-C-T. GRCh37 (hg19) VCF-style: chr19-5714193-C-T.
Other names: c.-71+1G>A (NM_001276480.1); c.326+1G>A (NM_001276479.2).
Identifiers: ClinVar variation 546340 (VCV000546340.2), dbSNP rs1555713731, ClinGen allele CA403540590.
Genomic context (GRCh38, chr19:5,714,182, plus strand): 5'-TTGTGGTGAGCTGGACTCTAGGGCACCGTCAACAAGGGAATGAAGGAAAAATCACACTTA[C>T]CTGTCATCTCTCTTTAGAAAGACGCCGACATAAGGCTGGGCGAGACGAACTTTCCTTCTC-3'